The following is an entry in ClinVar:

ClinVar aggregate classification (germline): Likely benign. Review status: criteria provided, multiple submitters, no conflicts (2 of 4 stars). 2 submissions from 2 submitters: Likely benign (2). Last evaluated 2026-07-01.

Conditions:
Dilated cardiomyopathy 1G (CMD1G). Identifiers: Orphanet 154, MedGen C1858763, MONDO:0011400, OMIM 604145.
Autosomal recessive limb-girdle muscular dystrophy type 2J (LGMDR10). Also called: Limb-girdle muscular dystrophy, type 2J; MUSCULAR DYSTROPHY, LIMB-GIRDLE, AUTOSOMAL RECESSIVE 10. Identifiers: Orphanet 140922, MedGen C1837342, MONDO:0012127, OMIM 608807.

Allele frequency attached by ClinVar (database versions not stated): gnomAD exomes below 0.00001.

Submissions (2):

CeGaT Center for Human Genetics Tuebingen
Classification: Likely benign. Last evaluated: 2026-07-01. Review status: criteria provided, single submitter. Criteria: CeGaT Center For Human Genetics Tuebingen Variant Classification Criteria Version 2. Collection method: clinical testing. Allele origin: germline. Affected: yes. Observed: 1 variant allele.
Comment: TTN: PM2:Supporting, BP4, BP7

Labcorp Genetics (formerly Invitae), Labcorp
Classification: Likely benign for Dilated cardiomyopathy 1G; Autosomal recessive limb-girdle muscular dystrophy type 2J. Last evaluated: 2025-11-22. Review status: criteria provided, single submitter. Criteria: Invitae Variant Classification Sherloc (09022015). Collection method: clinical testing. Allele origin: germline.

NM_001267550.2(TTN):c.82245C>A (p.Leu27415=)

Genes: TTN (titin; minus strand), TTN-AS1 (TTN antisense RNA 1; plus strand). Cytogenetic location: 2q31.2.
Variant type: single nucleotide variant.
Coding change: c.82245C>A on transcript NM_001267550.2 (MANE Select); coding-DNA position 82245, C replaced by A.
Protein change: p.Leu27415=; no amino-acid change (leucine 27415 retained).
Molecular consequence: synonymous variant.
Genome position (GRCh38, 1-based): chr2:178,563,887, G>T on the plus strand (C>A on the coding strand, the complement: TTN is on the minus strand). VCF-style: chr2-178563887-G-T. GRCh37 (hg19) VCF-style: chr2-179428614-G-T.
Other names: c.77322C>A, p.Leu25774= (NM_001256850.1); c.55050C>A, p.Leu18350= (NM_003319.4); c.74541C>A, p.Leu24847= (NM_133378.4); c.55425C>A, p.Leu18475= (NM_133432.3); c.55626C>A, p.Leu18542= (NM_133437.4).
Identifiers: ClinVar variation 1133705 (VCV001133705.10), dbSNP rs1270012383, ClinGen allele CA430250656.